The following is an entry in ClinVar:

NM_021116.4(ADCY1):c.640-3C>T

Gene: ADCY1 (adenylate cyclase 1; plus strand). Cytogenetic location: 7p12.3.
Variant type: single nucleotide variant.
Coding change: c.640-3C>T on transcript NM_021116.4 (MANE Select); 3 bases into the intron before coding-DNA position 640, C replaced by T.
Molecular consequence: intron variant.
Genome position (GRCh38, 1-based): chr7:45,592,756, C>T. VCF-style: chr7-45592756-C-T. GRCh37 (hg19) VCF-style: chr7-45632355-C-T.
Other names: c.-36-3C>T (NM_001281768.2).
Identifiers: ClinVar variation 1348800 (VCV001348800.6), dbSNP rs2115778481, ClinGen allele CA2573142164.

ClinVar aggregate classification (germline): Uncertain significance (1 of 4 stars; one submission).

Submission:

Labcorp Genetics (formerly Invitae), Labcorp
Classification: Uncertain significance. Last evaluated: 2022-03-10. Review status: criteria provided, single submitter. Criteria: Invitae Variant Classification Sherloc (09022015). Collection method: clinical testing. Allele origin: germline.
Comment: In summary, the available evidence is currently insufficient to determine the role of this variant in disease. Therefore, it has been classified as a Variant of Uncertain Significance. Variants that disrupt the consensus splice site are a relatively common cause of aberrant splicing (PMID: 17576681, 9536098). Algorithms developed to predict the effect of sequence changes on RNA splicing suggest that this variant is not likely to affect RNA splicing. This variant has not been reported in the literature in individuals affected with ADCY1-related conditions. This variant is not present in population databases (gnomAD no frequency). This sequence change falls in intron 1 of the ADCY1 gene. It does not directly change the encoded amino acid sequence of the ADCY1 protein. It affects a nucleotide within the consensus splice site.

Literature cited by the submitters: PubMed 17576681; PubMed 9536098.